The following is an entry in ClinVar:

ClinVar aggregate classification (germline): Benign. Review status: criteria provided, multiple submitters, no conflicts (2 of 4 stars). 2 submissions from 2 submitters: Benign (2). Last evaluated 2018-06-18.

Allele frequency attached by ClinVar (database versions not stated): TOPMed 0.31282; 1000 Genomes Project 30x 0.31418; 1000 Genomes Project 0.32508; gnomAD 0.33776.

Submissions (2):

GeneDx
Classification: Benign. Last evaluated: 2018-06-18. Review status: criteria provided, single submitter. Criteria: GeneDx Variant Classification (06012015). Collection method: clinical testing. Allele origin: germline. Affected: yes.
Comment: This variant is considered likely benign or benign based on one or more of the following criteria: it is a conservative change, it occurs at a poorly conserved position in the protein, it is predicted to be benign by multiple in silico algorithms, and/or has population frequency not consistent with disease.

Breakthrough Genomics
Classification: Benign. Review status: criteria provided, single submitter. Criteria: ACMG Guidelines, 2015. Collection method: not provided. Allele origin: germline. Inheritance: Autosomal recessive inheritance. Affected: yes.

NM_000071.3(CBS):c.1146-288T>C

Gene: CBS (cystathionine beta-synthase; minus strand). Cytogenetic location: 21q22.3.
Variant type: single nucleotide variant.
Coding change: c.1146-288T>C on transcript NM_000071.3 (MANE Select); 288 bases into the intron before coding-DNA position 1146, T replaced by C.
Molecular consequence: intron variant.
Genome position (GRCh38, 1-based): chr21:43,059,591, A>G on the plus strand (T>C on the coding strand, the complement: CBS is on the minus strand). VCF-style: chr21-43059591-A-G. GRCh37 (hg19) VCF-style: chr21-44479701-A-G.
Other names: c.1146-288T>C (NM_001320298.2, NM_001178009.3, NM_001178008.3); c.831-288T>C (NM_001321072.1).
Identifiers: ClinVar variation 670959 (VCV000670959.2), dbSNP rs9325622, ClinGen allele CA321688893.